The following is an entry in ClinVar:

ClinVar aggregate classification (germline): Benign/Likely benign. Review status: criteria provided, multiple submitters, no conflicts (2 of 4 stars). 4 submissions from 4 submitters: Benign (1); Likely benign (2). 1 of the submissions does not count toward it. Last evaluated 2025-10-28.

Conditions:
PTCH1-related disorder. Also called: PTCH1-related disorders; PTCH1-related condition.
Hereditary cancer-predisposing syndrome. Also called: Neoplastic Syndromes, Hereditary; Tumor predisposition; Hereditary Cancer Syndrome; Hereditary neoplastic syndrome. Identifiers: Orphanet 140162, MedGen C0027672, MeSH D009386, MONDO:0015356.
Gorlin syndrome. Also called: Basal cell nevus syndrome; Nevoid Basal Cell Carcinoma Syndrome. Identifiers: Orphanet 377, MedGen C0004779, MONDO:0007187.

Allele frequency attached by ClinVar (database versions not stated): gnomAD 0.00001; gnomAD exomes 0.00002 and 0.00004; TOPMed 0.00002; ExAC 0.00003.
gnomAD v4.1: 27 of 1,611,124 alleles (0.0017%); highest among the groups gnomAD compares: South Asian, 0.016%; no homozygotes.

Submissions (4):

Labcorp Genetics (formerly Invitae), Labcorp
Classification: Likely benign for Gorlin syndrome. Last evaluated: 2025-10-28. Review status: criteria provided, single submitter. Criteria: Invitae Variant Classification Sherloc (09022015). Collection method: clinical testing. Allele origin: germline.

Women's Health and Genetics/Laboratory Corporation of America, LabCorp
Classification: Benign. Last evaluated: 2024-04-08. Review status: criteria provided, single submitter. Criteria: LabCorp Variant Classification Summary - May 2015. Collection method: clinical testing. Allele origin: germline.

Ambry Genetics
Classification: Likely benign for Hereditary cancer-predisposing syndrome. Last evaluated: 2017-10-04. Review status: criteria provided, single submitter. Criteria: Ambry Variant Classification Scheme 2023. Collection method: clinical testing. Allele origin: germline.

PreventionGenetics, part of Exact Sciences
Classification: Likely benign for PTCH1-related condition. Last evaluated: 2019-09-05. Review status: no assertion criteria provided. Collection method: clinical testing. Allele origin: germline. Not counted in ClinVar's aggregate classification.
Comment: This variant is classified as likely benign based on ACMG/AMP sequence variant interpretation guidelines (Richards et al. 2015 PMID: 25741868, with internal and published modifications).

NM_000264.5(PTCH1):c.2460C>T (p.Tyr820=)

Genes: PTCH1 (patched 1; minus strand), LOC100507346 (uncharacterized LOC100507346; plus strand). Cytogenetic location: 9q22.32.
Variant type: single nucleotide variant.
Coding change: c.2460C>T on transcript NM_000264.5 (MANE Select); coding-DNA position 2460, C replaced by T.
Protein change: p.Tyr820=; no amino-acid change (tyrosine 820 retained).
Molecular consequence: synonymous variant. On other transcripts: non-coding transcript variant (2).
Genome position (GRCh38, 1-based): chr9:95,467,216, G>A on the plus strand (C>T on the coding strand, the complement: PTCH1 is on the minus strand). VCF-style: chr9-95467216-G-A. GRCh37 (hg19) VCF-style: chr9-98229498-G-A.
Other names: c.2262C>T, p.Tyr754= (NM_001083602.3); c.2457C>T, p.Tyr819= (NM_001083603.3); c.2007C>T, p.Tyr669= (NM_001083604.3, NM_001083605.3, NM_001083606.3 and 1 more transcripts); c.2304C>T, p.Tyr768= (NM_001354918.2).
Identifiers: ClinVar variation 367667 (VCV000367667.23), dbSNP rs766227557, ClinGen allele CA5138400.